The following is an entry in ClinVar:

ClinVar aggregate classification (germline): Conflicting classifications of pathogenicity. Review status: criteria provided, conflicting classifications (1 of 4 stars). 4 submissions from 4 submitters: Uncertain significance (1); Likely benign (2). 1 of the submissions does not count toward it. Last evaluated 2025-12-22.

Conditions:
CHAT-related disorder. Also called: CHAT-related condition.
Inborn genetic diseases. Identifiers: MedGen C0950123, MeSH D030342.
Familial infantile myasthenia (CMS6). Also called: Congenital myasthenic syndrome type 6; MYASTHENIC SYNDROME, PRESYNAPTIC, CONGENITAL, ASSOCIATED WITH EPISODIC APNEA; MYASTHENIC SYNDROME, CONGENITAL, 6, PRESYNAPTIC. Identifiers: Orphanet 590, MedGen C0393929, MONDO:0009689, OMIM 254210.

Allele frequency attached by ClinVar (database versions not stated): gnomAD 0.00002; TOPMed 0.00002; ESP Exome Variant Server 0.00008; 1000 Genomes Project 0.00020; 1000 Genomes Project 30x 0.00031.
gnomAD v4.1: 19 of 1,612,926 alleles (0.0012%); highest among the groups gnomAD compares: Middle Eastern, 0.016%; no homozygotes.

Submissions (4):

Labcorp Genetics (formerly Invitae), Labcorp
Classification: Likely benign for Familial infantile myasthenia. Last evaluated: 2025-12-22. Review status: criteria provided, single submitter. Criteria: Invitae Variant Classification Sherloc (09022015). Collection method: clinical testing. Allele origin: germline.

Ambry Genetics
Classification: Likely benign for Inborn genetic diseases. Last evaluated: 2023-07-25. Review status: criteria provided, single submitter. Criteria: Ambry Variant Classification Scheme 2023. Collection method: clinical testing. Allele origin: germline.

GeneDx
Classification: Uncertain significance. Last evaluated: 2023-04-27. Review status: criteria provided, single submitter. Criteria: GeneDx Variant Classification Process June 2021. Collection method: clinical testing. Allele origin: germline. Affected: yes.
Comment: Not observed at significant frequency in large population cohorts (gnomAD); In silico analysis supports that this missense variant does not alter protein structure/function; Has not been previously published as pathogenic or benign to our knowledge

PreventionGenetics, part of Exact Sciences
Classification: Uncertain significance for CHAT-related condition. Last evaluated: 2024-08-21. Review status: no assertion criteria provided. Collection method: clinical testing. Allele origin: germline. Not counted in ClinVar's aggregate classification.
Comment: The CHAT c.350G>A variant is predicted to result in the amino acid substitution p.Arg117His. To our knowledge, this variant has not been reported in the literature. This variant is reported in 0.0099% of alleles in individuals of South Asian descent in gnomAD. At this time, the clinical significance of this variant is uncertain due to the absence of conclusive functional and genetic evidence.

NM_020549.5(CHAT):c.350G>A (p.Arg117His)

Gene: CHAT (choline O-acetyltransferase; plus strand). Cytogenetic location: 10q11.23.
Variant type: single nucleotide variant.
Coding change: c.350G>A on transcript NM_020549.5 (MANE Select); coding-DNA position 350, G replaced by A.
Protein change: p.Arg117His; replaces arginine 117 with histidine.
Molecular consequence: missense variant. On other transcripts: 5 prime UTR variant (5).
Genome position (GRCh38, 1-based): chr10:49,616,565, G>A. VCF-style: chr10-49616565-G-A. GRCh37 (hg19) VCF-style: chr10-50824611-G-A.
Other names: c.-5G>A (NM_001142929.2, NM_001142934.2, NM_020984.4 and 2 more transcripts); c.104G>A, p.Arg35His (NM_001142933.2); short protein forms R117H, R35H.
Identifiers: ClinVar variation 844096 (VCV000844096.13), dbSNP rs376641216, ClinGen allele CA5497095.